The following is an entry in ClinVar:

ClinVar aggregate classification (germline): Uncertain significance (1 of 4 stars; one submission).

Conditions:
Glycine encephalopathy. Also called: Nonketotic hyperglycinemia; Non-ketotic hyperglycinemia. Identifiers: Orphanet 407, MedGen C0751748, MONDO:0011612, HP:0008288.

Submission:

Labcorp Genetics (formerly Invitae), Labcorp
Classification: Uncertain significance for Glycine encephalopathy. Last evaluated: 2022-02-04. Review status: criteria provided, single submitter. Criteria: Invitae Variant Classification Sherloc (09022015). Collection method: clinical testing. Allele origin: germline.
Comment: In summary, the available evidence is currently insufficient to determine the role of this variant in disease. Therefore, it has been classified as a Variant of Uncertain Significance. Advanced modeling of protein sequence and biophysical properties (such as structural, functional, and spatial information, amino acid conservation, physicochemical variation, residue mobility, and thermodynamic stability) performed at Invitae indicates that this missense variant is not expected to disrupt GLDC protein function. ClinVar contains an entry for this variant (Variation ID: 1058573). This variant has not been reported in the literature in individuals affected with GLDC-related conditions. This variant is not present in population databases (gnomAD no frequency). This sequence change replaces lysine, which is basic and polar, with threonine, which is neutral and polar, at codon 977 of the GLDC protein (p.Lys977Thr).

NM_000170.3(GLDC):c.2930A>C (p.Lys977Thr)

Gene: GLDC (glycine decarboxylase; minus strand). Cytogenetic location: 9p24.1.
Variant type: single nucleotide variant.
Coding change: c.2930A>C on transcript NM_000170.3 (MANE Select); coding-DNA position 2930, A replaced by C.
Protein change: p.Lys977Thr; replaces lysine 977 with threonine.
Molecular consequence: missense variant.
Genome position (GRCh38, 1-based): chr9:6,533,150, T>G on the plus strand (A>C on the coding strand, the complement: GLDC is on the minus strand). VCF-style: chr9-6533150-T-G. GRCh37 (hg19) VCF-style: chr9-6533150-T-G.
Other names: short protein forms K977T.
Identifiers: ClinVar variation 1058573 (VCV001058573.9), dbSNP rs2129641363, ClinGen allele CA372881768.